The following is an entry in ClinVar:

NM_001366385.1(CARD14):c.2456T>C (p.Val819Ala)

Genes: SGSH (N-sulfoglucosamine sulfohydrolase; minus strand), CARD14 (caspase recruitment domain family member 14; plus strand), LOC126862662 (MED14-independent group 3 enhancer GRCh37_chr17:78178385-78179584; plus strand). Cytogenetic location: 17q25.3.
Variant type: single nucleotide variant.
Coding change: c.2456T>C on transcript NM_001366385.1 (MANE Select); coding-DNA position 2456, T replaced by C.
Protein change: p.Val819Ala; replaces valine 819 with alanine.
Molecular consequence: missense variant. On other transcripts: non-coding transcript variant (1).
Genome position (GRCh38, 1-based): chr17:80,205,092, T>C. VCF-style: chr17-80205092-T-C. GRCh37 (hg19) VCF-style: chr17-78178891-T-C.
Other names: c.2456T>C (NM_024110.3); c.2456T>C, p.Val819Ala (NM_024110.4); short protein forms V819A.
Identifiers: ClinVar variation 2940023 (VCV002940023.4), dbSNP rs2510767054, ClinGen allele CA401355982.

ClinVar aggregate classification (germline): Uncertain significance. Review status: criteria provided, multiple submitters, no conflicts (2 of 4 stars). 2 submissions from 2 submitters: Uncertain significance (2). Last evaluated 2024-01-17.

Conditions:
Inborn genetic diseases. Identifiers: MedGen C0950123, MeSH D030342.
Psoriasis 2. Identifiers: MedGen C1864497, MONDO:0011269, OMIM 602723.
Pityriasis rubra pilaris (PRP). Also called: Pityriasis rubra pilaris--familial type. Identifiers: Orphanet 2897, MedGen C0032027, MONDO:0100017, OMIM 173200, MONDO:0008251.

Submissions (2):

Ambry Genetics
Classification: Uncertain significance for Inborn genetic diseases. Last evaluated: 2024-01-17. Review status: criteria provided, single submitter. Criteria: Ambry Variant Classification Scheme 2023. Collection method: clinical testing. Allele origin: germline.

Labcorp Genetics (formerly Invitae), Labcorp
Classification: Uncertain significance for Pityriasis rubra pilaris; Psoriasis 2. Last evaluated: 2023-10-13. Review status: criteria provided, single submitter. Criteria: Invitae Variant Classification Sherloc (09022015). Collection method: clinical testing. Allele origin: germline.
Comment: This sequence change replaces valine, which is neutral and non-polar, with alanine, which is neutral and non-polar, at codon 819 of the CARD14 protein (p.Val819Ala). This variant is not present in population databases (gnomAD no frequency). This variant has not been reported in the literature in individuals affected with CARD14-related conditions. Advanced modeling of protein sequence and biophysical properties (such as structural, functional, and spatial information, amino acid conservation, physicochemical variation, residue mobility, and thermodynamic stability) performed at Invitae indicates that this missense variant is not expected to disrupt CARD14 protein function. In summary, the available evidence is currently insufficient to determine the role of this variant in disease. Therefore, it has been classified as a Variant of Uncertain Significance.